The following is an entry in ClinVar:

NM_006348.5(COG5):c.37C>T (p.Leu13Phe)

Gene: COG5 (component of oligomeric golgi complex 5; minus strand). Cytogenetic location: 7q22.3.
Variant type: single nucleotide variant.
Coding change: c.37C>T on transcript NM_006348.5 (MANE Select); coding-DNA position 37, C replaced by T.
Protein change: p.Leu13Phe; replaces leucine 13 with phenylalanine.
Molecular consequence: missense variant.
Genome position (GRCh38, 1-based): chr7:107,563,860, G>A on the plus strand (C>T on the coding strand, the complement: COG5 is on the minus strand). VCF-style: chr7-107563860-G-A. GRCh37 (hg19) VCF-style: chr7-107204305-G-A.
Other names: c.37C>T, p.Leu13Phe (NM_001161520.2, NM_001379511.1, NM_001379512.1 and 5 more transcripts); short protein forms L13F.
Identifiers: ClinVar variation 911801 (VCV000911801.9), dbSNP rs1429157275, ClinGen allele CA368826311.

ClinVar aggregate classification (germline): Uncertain significance. Review status: criteria provided, multiple submitters, no conflicts (2 of 4 stars). 3 submissions from 3 submitters: Uncertain significance (3). Last evaluated 2024-03-20.

Conditions:
COG5-congenital disorder of glycosylation. Also called: CDG IIi; COG5-CDG; CONGENITAL DISORDER OF GLYCOSYLATION, TYPE IIi. Identifiers: Orphanet 263487, MedGen C3150876, MONDO:0013325, OMIM 613612.
Inborn genetic diseases. Identifiers: MedGen C0950123, MeSH D030342.

Allele frequency attached by ClinVar (database versions not stated): gnomAD 0.00001; gnomAD exomes 0.00001 and 0.00002; TOPMed 0.00001.
gnomAD v4.1: 15 of 1,613,572 alleles (0.00093%); highest among the groups gnomAD compares: South Asian, 0.0044%; no homozygotes.

Submissions (3):

Ambry Genetics
Classification: Uncertain significance for Inborn genetic diseases. Last evaluated: 2024-03-20. Review status: criteria provided, single submitter. Criteria: Ambry Variant Classification Scheme 2023. Collection method: clinical testing. Allele origin: germline.

Labcorp Genetics (formerly Invitae), Labcorp
Classification: Uncertain significance for COG5-congenital disorder of glycosylation. Last evaluated: 2021-09-24. Review status: criteria provided, single submitter. Criteria: Invitae Variant Classification Sherloc (09022015). Collection method: clinical testing. Allele origin: germline.
Comment: This sequence change replaces leucine with phenylalanine at codon 44 of the COG5 protein (p.Leu44Phe). The leucine residue is weakly conserved and there is a small physicochemical difference between leucine and phenylalanine. This variant is not present in population databases (ExAC no frequency). This variant has not been reported in the literature in individuals with COG5-related conditions. ClinVar contains an entry for this variant (Variation ID: 911801). Algorithms developed to predict the effect of missense changes on protein structure and function output the following: SIFT: "Tolerated"; PolyPhen-2: "Benign"; Align-GVGD: "Class C0". The phenylalanine amino acid residue is found in multiple mammalian species, suggesting that this missense change does not adversely affect protein function. These predictions have not been confirmed by published functional studies and their clinical significance is uncertain. In summary, the available evidence is currently insufficient to determine the role of this variant in disease. Therefore, it has been classified as a Variant of Uncertain Significance.

Illumina Laboratory Services, Illumina
Classification: Uncertain significance for COG5-congenital disorder of glycosylation. Last evaluated: 2018-01-15. Review status: criteria provided, single submitter. Criteria: ICSL Variant Classification Criteria 13 December 2019. Collection method: clinical testing. Allele origin: germline.